The following is an entry in ClinVar:

NM_000049.4(ASPA):c.2T>C (p.Met1Thr)

Genes: ASPA (aspartoacylase; plus strand), SPATA22 (spermatogenesis associated 22; minus strand). Cytogenetic location: 17p13.2.
Variant type: single nucleotide variant.
Coding change: c.2T>C on transcript NM_000049.4 (MANE Select); coding-DNA position 2, T replaced by C.
Protein change: p.Met1Thr; changes the start codon (methionine 1).
Molecular consequence: missense variant, initiator codon variant. On other transcripts: intron variant (2).
Genome position (GRCh38, 1-based): chr17:3,476,161, T>C. VCF-style: chr17-3476161-T-C. GRCh37 (hg19) VCF-style: chr17-3379455-T-C.
Other names: c.2T>C, p.Met1Thr (NM_001128085.1); c.-73-6763A>G (NM_001321336.2, NM_001321337.2); short protein forms M1T.
Identifiers: ClinVar variation 370934 (VCV000370934.14), dbSNP rs1057516879, ClinGen allele CA16041821.

ClinVar aggregate classification (germline): Pathogenic/Likely pathogenic. Review status: criteria provided, multiple submitters, no conflicts (2 of 4 stars). 5 submissions from 5 submitters: Pathogenic (1); Likely pathogenic (2). 2 of the submissions do not count toward it. Last evaluated 2025-10-03.

Conditions:
Spongy degeneration of central nervous system. Also called: Canavan disease; AMINOACYLASE 2 DEFICIENCY; ACY2 DEFICIENCY; ASP DEFICIENCY; ASPA DEFICIENCY; ASPARTOACYLASE DEFICIENCY. Identifiers: Orphanet 141, MedGen C0206307, MONDO:0010079, OMIM 271900.
Type 2 diabetes mellitus. Also called: Type II diabetes mellitus. Identifiers: MedGen C0011860, MeSH D003924, MONDO:0005148, OMIM 125853, HP:0005978.

Allele frequency attached by ClinVar (database versions not stated): gnomAD exomes below 0.00001; TOPMed 0.00001; gnomAD 0.00001.
gnomAD v4.1: 4 of 1,613,106 alleles (0.00025%); highest among the groups gnomAD compares: Admixed American, 0.0017%; no homozygotes.

Submissions (5):

Natera, Inc.
Classification: Likely pathogenic for Canavan Disease. Last evaluated: 2025-10-03. Review status: criteria provided, single submitter. Criteria: Natera Variant Classification Schema (03/2026). Collection method: clinical testing. Allele origin: germline.
Comment: The c.2T>C variant in ASPA is predicted to result in start loss due to disruption of the initiator methionine. This variant is expected to result in nonsense mediated decay, truncation, or a dysfunctional protein product. This variant is rare in the general population with a frequency below the threshold expected for the associated phenotype(s). Given the available evidence, this variant is classified as Likely Pathogenic.

Labcorp Genetics (formerly Invitae), Labcorp
Classification: Pathogenic for Spongy degeneration of central nervous system. Last evaluated: 2023-05-15. Review status: criteria provided, single submitter. Criteria: Invitae Variant Classification Sherloc (09022015). Collection method: clinical testing. Allele origin: germline.
Comment: Disruption of the initiator codon has been observed in individual(s) with Canavan disease (PMID: 20129749). This sequence change affects the initiator methionine of the ASPA mRNA. The next in-frame methionine is located at codon 82. This variant is present in population databases (no rsID available, gnomAD 0.0009%). ClinVar contains an entry for this variant (Variation ID: 370934). This variant disrupts the p.Ile16 amino acid residue in ASPA. Other variant(s) that disrupt this residue have been determined to be pathogenic (PMID: 8659549, 12638939). This suggests that this residue is clinically significant, and that variants that disrupt this residue are likely to be disease-causing. For these reasons, this variant has been classified as Pathogenic.

Fulgent Genetics
Classification: Likely pathogenic for Spongy degeneration of central nervous system. Last evaluated: 2021-11-10. Review status: criteria provided, single submitter. Criteria: ACMG Guidelines, 2015. Collection method: clinical testing. Allele origin: unknown.

Gene Friend Way, National Innovation Center
Classification: Likely pathogenic for Type 2 diabetes mellitus. Last evaluated: 2025-01-01. Review status: no assertion criteria provided. Collection method: clinical testing. Allele origin: unknown. Affected: yes. Observed: 1 variant allele. Not counted in ClinVar's aggregate classification.
Comment: This variant is predicted to result in the disruption of the initiator methionine and the p.Ile16 amino acid residue in ASPA. Other variant(s) that disrupt this residue have been classified as pathogenic (PMID: 8659549, 12638939). Protein product aspartoacylase plays a role in lipid synthesis and energy metabolism, and its activity could be linked to metabolic changes seen in diabetes (PMID: 38582917).

Counsyl
Classification: Likely pathogenic for Spongy degeneration of central nervous system. Last evaluated: 2016-05-18. Review status: no assertion criteria provided. Collection method: clinical testing. Allele origin: unknown. Not counted in ClinVar's aggregate classification.

Literature cited by the submitters: PubMed 20129749 (cited by Labcorp Genetics (formerly Invitae), Labcorp and Counsyl); PubMed 8659549 (cited by Labcorp Genetics (formerly Invitae), Labcorp and Gene Friend Way, National Innovation Center); PubMed 12638939 (cited by Labcorp Genetics (formerly Invitae), Labcorp and Gene Friend Way, National Innovation Center); PubMed 38582917 (cited by Gene Friend Way, National Innovation Center).